The following is an entry in ClinVar:

ClinVar aggregate classification (germline): Uncertain significance (1 of 4 stars; one submission).

gnomAD v4.1: 24 of 1,613,784 alleles (0.0015%); highest among the groups gnomAD compares: Non-Finnish European, 0.0019%; no homozygotes.

Submission:

Women's Health and Genetics/Laboratory Corporation of America, LabCorp
Classification: Uncertain significance. Last evaluated: 2026-03-27. Review status: criteria provided, single submitter. Criteria: LabCorp Variant Classification Summary - May 2015. Collection method: clinical testing. Allele origin: germline.
Comment: Variant summary: LMAN1 c.904A>G (p.Lys302Glu) results in a conservative amino acid change in the encoded protein sequence. Algorithms developed to predict the effect of missense changes on protein structure and function are either unavailable or do not agree on the potential impact of this missense change. The variant allele was found at a frequency of 4e-06 in 251416 control chromosomes. The available data on variant occurrences in the general population are insufficient to allow any conclusion about variant significance. To our knowledge, no occurrence of c.904A>G in individuals affected with LMAN1-related conditions and no experimental evidence demonstrating its impact on protein function have been reported. No submitters have cited clinical-significance assessments for this variant to ClinVar. Based on the evidence outlined above, the variant was classified as uncertain significance.

NM_005570.4(LMAN1):c.904A>G (p.Lys302Glu)

Gene: LMAN1 (lectin, mannose binding 1; minus strand). Cytogenetic location: 18q21.32.
Variant type: single nucleotide variant.
Coding change: c.904A>G on transcript NM_005570.4 (MANE Select); coding-DNA position 904, A replaced by G.
Protein change: p.Lys302Glu; replaces lysine 302 with glutamic acid.
Molecular consequence: missense variant.
Genome position (GRCh38, 1-based): chr18:59,345,970, T>C on the plus strand (A>G on the coding strand, the complement: LMAN1 is on the minus strand). VCF-style: chr18-59345970-T-C. GRCh37 (hg19) VCF-style: chr18-57013202-T-C.
Other names: short protein forms K302E.
Identifiers: ClinVar variation 4847649 (VCV004847649.1).